The following is an entry in ClinVar:

NM_007289.4(MME):c.134T>C (p.Met45Thr)

Gene: MME (membrane metalloendopeptidase; plus strand). Cytogenetic location: 3q25.2.
Variant type: single nucleotide variant.
Coding change: c.134T>C on transcript NM_007289.4 (MANE Select); coding-DNA position 134, T replaced by C.
Protein change: p.Met45Thr; replaces methionine 45 with threonine.
Molecular consequence: missense variant.
Genome position (GRCh38, 1-based): chr3:155,084,301, T>C. VCF-style: chr3-155084301-T-C. GRCh37 (hg19) VCF-style: chr3-154802090-T-C.
Other names: c.134T>C, p.Met45Thr (NM_000902.5, NM_001354642.2, NM_001354643.1 and 3 more transcripts); short protein forms M45T.
Identifiers: ClinVar variation 1499657 (VCV001499657.3), dbSNP rs757010716, ClinGen allele CA2675016.

ClinVar aggregate classification (germline): Uncertain significance (1 of 4 stars; one submission).

Allele frequency attached by ClinVar (database versions not stated): TOPMed below 0.00001; ExAC 0.00001; gnomAD 0.00001; gnomAD exomes 0.00001.
gnomAD v4.1: 19 of 1,614,076 alleles (0.0012%); highest among the groups gnomAD compares: Non-Finnish European, 0.0016%; no homozygotes.

Submission:

Labcorp Genetics (formerly Invitae), Labcorp
Classification: Uncertain significance. Last evaluated: 2021-10-14. Review status: criteria provided, single submitter. Criteria: Invitae Variant Classification Sherloc (09022015). Collection method: clinical testing. Allele origin: germline.
Comment: This sequence change replaces methionine with threonine at codon 45 of the MME protein (p.Met45Thr). The methionine residue is moderately conserved and there is a moderate physicochemical difference between methionine and threonine. This variant is present in population databases (rs757010716, ExAC 0.001%). This variant has not been reported in the literature in individuals affected with MME-related conditions. Algorithms developed to predict the effect of missense changes on protein structure and function output the following: SIFT: "Deleterious"; PolyPhen-2: "Benign"; Align-GVGD: "Class C0". The threonine amino acid residue is found in multiple mammalian species, which suggests that this missense change does not adversely affect protein function. In summary, the available evidence is currently insufficient to determine the role of this variant in disease. Therefore, it has been classified as a Variant of Uncertain Significance.